The following is an entry in ClinVar:

NM_000465.4(BARD1):c.1923A>G (p.Arg641=)

Gene: BARD1 (BRCA1 associated RING domain 1; minus strand). Cytogenetic location: 2q35.
Variant type: single nucleotide variant.
Coding change: c.1923A>G on transcript NM_000465.4 (MANE Select); coding-DNA position 1923, A replaced by G.
Protein change: p.Arg641=; no amino-acid change (arginine 641 retained).
Molecular consequence: synonymous variant. On other transcripts: non-coding transcript variant (3).
Genome position (GRCh38, 1-based): chr2:214,730,489, T>C on the plus strand (A>G on the coding strand, the complement: BARD1 is on the minus strand). VCF-style: chr2-214730489-T-C. GRCh37 (hg19) VCF-style: chr2-215595213-T-C.
Other names: c.1866A>G, p.Arg622= (NM_001282543.2); c.570A>G, p.Arg190= (NM_001282545.2); c.513A>G, p.Arg171= (NM_001282548.2); c.384A>G, p.Arg128= (NM_001282549.2).
Identifiers: ClinVar variation 1663241 (VCV001663241.10), dbSNP rs2105990818, ClinGen allele CA431139647.

ClinVar aggregate classification (germline): Benign/Likely benign. Review status: criteria provided, multiple submitters, no conflicts (2 of 4 stars). 2 submissions from 2 submitters: Benign (1); Likely benign (1). Last evaluated 2025-06-23.

Conditions:
Familial cancer of breast. Also called: Hereditary breast cancer; BREAST CANCER, FAMILIAL; hereditary breast carcinoma. Identifiers: Orphanet 227535, MedGen C0346153, MONDO:0016419, OMIM 114480. Disease mechanism: loss of function.

Submissions (2):

Labcorp Genetics (formerly Invitae), Labcorp
Classification: Likely benign for Familial cancer of breast. Last evaluated: 2025-06-23. Review status: criteria provided, single submitter. Criteria: Invitae Variant Classification Sherloc (09022015). Collection method: clinical testing. Allele origin: germline.

Myriad Genetics, Inc.
Classification: Benign for Familial cancer of breast. Last evaluated: 2024-07-29. Review status: criteria provided, single submitter. Criteria: Myriad Autosomal Dominant, Autosomal Recessive and X-Linked Classification Criteria (2023). Collection method: clinical testing. Allele origin: unknown.
Comment: This variant is considered benign. This variant is a silent/synonymous amino acid change and it is not expected to impact splicing.